The following is an entry in ClinVar:

ClinVar aggregate classification (germline): Pathogenic (1 of 4 stars; one submission).

Conditions:
Hydrocephalus, nonsyndromic, autosomal recessive 1 (HYC1). Also called: Hydrocephalus, nonsyndromic, autosomal recessive; Congenital hydrocephalus 1. Identifiers: Orphanet 2185, MedGen C3887608, MONDO:0009360, OMIM 236600.

Submission:

Myriad Genetics, Inc.
Classification: Pathogenic for Hydrocephalus, nonsyndromic, autosomal recessive 1. Last evaluated: 2026-02-11. Review status: criteria provided, single submitter. Criteria: Myriad Autosomal Dominant, Autosomal Recessive and X-Linked Classification Criteria (2023). Collection method: clinical testing. Allele origin: unknown.
Comment: NM_001080414.3(CCDC88C):c.2621dupA(E875Gfs*53) is expected to be pathogenic in the context of congenital hydrocephalus, CCDC88C-related. This variant is predicted to lead to an abnormal or absent protein product due to the creation of a premature termination codon in CCDC88C, a gene where loss-of-function variants are known to be pathogenic. Please note: this variant was assessed in the context of healthy population screening.

NM_001080414.4(CCDC88C):c.2621dup (p.Glu875fs)

Gene: CCDC88C (coiled-coil and HOOK domain protein 88C; minus strand). Cytogenetic location: 14q32.11.
Variant type: Duplication.
Coding change: c.2621dup on transcript NM_001080414.4 (MANE Select); coding-DNA position 2621, one base duplicated (A; older notation c.2621dupA).
Protein change: p.Glu875fs; shifts the reading frame from glutamic acid 875.
Molecular consequence: frameshift variant. On other transcripts: non-coding transcript variant (2).
Genome position (GRCh38, 1-based): chr14:91,313,195, T duplicated on the plus strand (A on the coding strand, the reverse complement: CCDC88C is on the minus strand); the first of 2 consecutive T bases (chr14:91,313,195-91,313,196); duplicating either gives the same sequence. VCF-style (leftmost placement, unchanged base first): chr14-91313194-C-CT. GRCh37 (hg19) VCF-style: chr14-91779538-C-CT.
Other names: short protein forms E875fs.
Identifiers: ClinVar variation 5015538 (VCV005015538.1).
Genomic context (GRCh38, chr14:91,313,194, plus strand): 5'-CCGGTTGTCCTTCTCCAGCTCCTTCAGCTTGCCGGCTGCGTCCCTGCAGCGGGCCAGCTC[C>CT]TTGTCCAGCGCGCGGCTCTCCTTCTCAACGGCGGACAGTTTGGCAGTGCTATCGTCCAAG-3'